The following is an entry in ClinVar:

ClinVar aggregate classification (germline): Conflicting classifications of pathogenicity. Review status: criteria provided, conflicting classifications (1 of 4 stars). 5 submissions from 5 submitters: Uncertain significance (3); Benign (2). Last evaluated 2025-09-17.

Conditions:
Hereditary cancer-predisposing syndrome. Also called: Hereditary neoplastic syndrome; Neoplastic Syndromes, Hereditary; Tumor predisposition; Hereditary Cancer Syndrome. Identifiers: Orphanet 140162, MedGen C0027672, MeSH D009386, MONDO:0015356.
Multiple endocrine neoplasia, type 2 (MEN2). Identifiers: Orphanet 653, MedGen C4048306, MONDO:0019003. Disease mechanism: gain of function.

Submissions (5):

GeneDx
Classification: Uncertain significance. Last evaluated: 2025-09-17. Review status: criteria provided, single submitter. Criteria: GeneDx Variant Classification Process June 2021. Collection method: clinical testing. Allele origin: germline.
Comment: In-frame deletion of one amino acid in a non-repeat region; In silico analysis supports a deleterious effect on protein structure/function; Observed in trans with a pathogenic RET variant in individuals with clinical features of multiple endocrine neoplasia type 2, as well as unaffected individuals within a single family (PMID: 15858153); This variant is associated with the following publications: (PMID: 36139606, 14633923, 38522067, 15858153)

Labcorp Genetics (formerly Invitae), Labcorp
Classification: Uncertain significance for Multiple endocrine neoplasia, type 2. Last evaluated: 2025-01-07. Review status: criteria provided, single submitter. Criteria: Invitae Variant Classification Sherloc (09022015). Collection method: clinical testing. Allele origin: germline.
Comment: This variant, c.1846_1848del, results in the deletion of 1 amino acid(s) of the RET protein (p.Glu616del), but otherwise preserves the integrity of the reading frame. This variant is present in population databases (rs750189678, gnomAD 0.006%). This variant has been observed in individual(s) with clinical features of multiple endocrine neoplasia type 2 (PMID: 15858153). ClinVar contains an entry for this variant (Variation ID: 24900). Experimental studies and prediction algorithms are not available or were not evaluated, and the functional significance of this variant is currently unknown. In summary, the available evidence is currently insufficient to determine the role of this variant in disease. Therefore, it has been classified as a Variant of Uncertain Significance.

Quest Diagnostics Nichols Institute San Juan Capistrano
Classification: Uncertain significance. Last evaluated: 2024-07-30. Review status: criteria provided, single submitter. Criteria: Quest Diagnostics criteria. Collection method: clinical testing. Allele origin: unknown.

Ambry Genetics
Classification: Benign for Hereditary cancer-predisposing syndrome. Last evaluated: 2022-04-15. Review status: criteria provided, single submitter. Criteria: Ambry Variant Classification Scheme 2023. Collection method: clinical testing. Allele origin: germline.

PreventionGenetics, part of Exact Sciences
Classification: Benign. Last evaluated: 2017-07-10. Review status: criteria provided, single submitter. Criteria: ACMG Guidelines, 2015. Collection method: clinical testing. Allele origin: germline.

Literature cited by the submitters: PubMed 15858153 (cited by 3 submitters); PubMed 36139606 (cited by Quest Diagnostics Nichols Institute San Juan Capistrano).

NM_020975.6(RET):c.1840GAG[2] (p.Glu616del)

Gene: RET (ret proto-oncogene; plus strand). Cytogenetic location: 10q11.21.
Variant type: Microsatellite.
Coding change: c.1840GAG[2] on transcript NM_020975.6 (MANE Select); two copies in a row of the 3-base unit GAG starting at c.1840; the reference has three copies in a row; one copy, 3 bases deleted; also written c.1846_1848del.
Protein change: p.Glu616del; deletes glutamic acid 616.
Molecular consequence: inframe deletion. On other transcripts: inframe indel (43).
Genome position (GRCh38, 1-based): chr10:43,113,642-43,113,644, GAG deleted; deleting any 3 consecutive bases within chr10:43,113,636-43,113,644 gives the same sequence; the position shown is the placement nearest the transcript's 3' end. VCF-style (leftmost placement, unchanged base first): chr10-43113635-TGAG-T. GRCh37 (hg19) VCF-style: chr10-43609083-TGAG-T.
Other names: c.1846_1848del (NM_020975.4); c.1846_1848delGAG (NM_020975.4); c.1840_1842GAG[2], p.Glu616del (NM_000323.2, NM_001406743.1, NM_001406744.1 and 7 more transcripts); c.1078_1080GAG[2], p.Glu362del (NM_001355216.2); c.1711_1713GAG[2], p.Glu573del (NM_001406761.1, NM_001406762.1, NM_001406764.1 and 1 more transcripts); c.1552_1554GAG[2], p.Glu520del (NM_001406766.1, NM_001406767.1, NM_001406770.1); c.1444_1446GAG[2], p.Glu484del (NM_001406769.1, NM_001406772.1); c.1402_1404GAG[2], p.Glu470del (NM_001406771.1, NM_001406773.1); and 7 more; short protein forms E616del, E362del, E317del, E441del, E520del, E221del, E274del, E286del.
Identifiers: ClinVar variation 24900 (VCV000024900.18), dbSNP rs377767399, ClinGen allele CA007965.